The following is an entry in ClinVar:

NM_003126.4(SPTA1):c.4140G>C (p.Leu1380Phe)

Gene: SPTA1 (spectrin alpha, erythrocytic 1; minus strand). Cytogenetic location: 1q23.1.
Variant type: single nucleotide variant.
Coding change: c.4140G>C on transcript NM_003126.4 (MANE Select); coding-DNA position 4140, G replaced by C.
Protein change: p.Leu1380Phe; replaces leucine 1380 with phenylalanine.
Molecular consequence: missense variant.
Genome position (GRCh38, 1-based): chr1:158,645,242, C>G on the plus strand (G>C on the coding strand, the complement: SPTA1 is on the minus strand). VCF-style: chr1-158645242-C-G. GRCh37 (hg19) VCF-style: chr1-158615032-C-G.
Other names: short protein forms L1380F.
Identifiers: ClinVar variation 1382331 (VCV001382331.6), dbSNP rs1444515159, ClinGen allele CA343032006.

ClinVar aggregate classification (germline): Uncertain significance (1 of 4 stars; one submission).

Allele frequency attached by ClinVar (database versions not stated): gnomAD 0.00001; gnomAD exomes 0.00001; TOPMed 0.00001.
gnomAD v4.1: 8 of 1,613,880 alleles (0.0005%); highest among the groups gnomAD compares: African/African-American, 0.011%; no homozygotes.

Submission:

Labcorp Genetics (formerly Invitae), Labcorp
Classification: Uncertain significance. Last evaluated: 2025-07-13. Review status: criteria provided, single submitter. Criteria: Invitae Variant Classification Sherloc (09022015). Collection method: clinical testing. Allele origin: germline.
Comment: This sequence change replaces leucine, which is neutral and non-polar, with phenylalanine, which is neutral and non-polar, at codon 1380 of the SPTA1 protein (p.Leu1380Phe). This variant is not present in population databases (gnomAD no frequency). This variant has not been reported in the literature in individuals affected with SPTA1-related conditions. ClinVar contains an entry for this variant (Variation ID: 1382331). Invitae Evidence Modeling of protein sequence and biophysical properties (such as structural, functional, and spatial information, amino acid conservation, physicochemical variation, residue mobility, and thermodynamic stability) indicates that this missense variant is expected to disrupt SPTA1 protein function with a positive predictive value of 80%. In summary, the available evidence is currently insufficient to determine the role of this variant in disease. Therefore, it has been classified as a Variant of Uncertain Significance.